The following is an entry in ClinVar:

NM_001170535.3(ATAD3A):c.1732G>A (p.Gly578Arg)

Gene: ATAD3A (ATPase family AAA domain containing 3A; plus strand). Cytogenetic location: 1p36.33.
Variant type: single nucleotide variant.
Coding change: c.1732G>A on transcript NM_001170535.3 (MANE Select); coding-DNA position 1732, G replaced by A.
Protein change: p.Gly578Arg; replaces glycine 578 with arginine.
Molecular consequence: missense variant.
Genome position (GRCh38, 1-based): chr1:1,534,043, G>A. VCF-style: chr1-1534043-G-A. GRCh37 (hg19) VCF-style: chr1-1469423-G-A.
Other names: c.1495G>A, p.Gly499Arg (NM_001170536.3); c.1876G>A, p.Gly626Arg (NM_018188.5); short protein forms G626R, G499R, G578R.
Identifiers: ClinVar variation 721370 (VCV000721370.28), dbSNP rs200240134, ClinGen allele CA526566.

ClinVar aggregate classification (germline): Likely benign. Review status: criteria provided, multiple submitters, no conflicts (2 of 4 stars). 4 submissions from 4 submitters: Likely benign (4). Last evaluated 2025-05-07.

Allele frequency attached by ClinVar (database versions not stated): ESP Exome Variant Server 0.00008; gnomAD 0.00013 and 0.00026; TOPMed 0.00014; ExAC 0.00055; 1000 Genomes Project 30x 0.00078; 1000 Genomes Project 0.00100.
gnomAD v4.1: 571 of 1,613,646 alleles (0.035%); highest among the groups gnomAD compares: South Asian, 0.33%; 5 homozygotes.

Submissions (4):

Women's Health and Genetics/Laboratory Corporation of America, LabCorp
Classification: Likely benign. Last evaluated: 2025-05-07. Review status: criteria provided, single submitter. Criteria: LabCorp Variant Classification Summary - May 2015. Collection method: clinical testing. Allele origin: germline.

Blueprint Genetics
Classification: Likely benign. Last evaluated: 2024-11-05. Review status: criteria provided, single submitter. Criteria: ACMG Guidelines, 2015. Collection method: clinical testing. Allele origin: germline.

CeGaT Center for Human Genetics Tuebingen
Classification: Likely benign. Last evaluated: 2023-01-01. Review status: criteria provided, single submitter. Criteria: CeGaT Center For Human Genetics Tuebingen Variant Classification Criteria Version 2. Collection method: clinical testing. Allele origin: germline. Affected: yes. Observed: 1 variant allele.
Comment: ATAD3A: BP4, BS2

Labcorp Genetics (formerly Invitae), Labcorp
Classification: Likely benign. Last evaluated: 2018-01-15. Review status: criteria provided, single submitter. Criteria: Invitae Variant Classification Sherloc (09022015). Collection method: clinical testing. Allele origin: germline.